The following is an entry in ClinVar:

NM_000541.5(SAG):c.52A>G (p.Lys18Glu)

Gene: SAG (S-antigen visual arrestin; plus strand). Cytogenetic location: 2q37.1.
Variant type: single nucleotide variant.
Coding change: c.52A>G on transcript NM_000541.5 (MANE Select); coding-DNA position 52, A replaced by G.
Protein change: p.Lys18Glu; replaces lysine 18 with glutamic acid.
Molecular consequence: missense variant.
Genome position (GRCh38, 1-based): chr2:233,309,241, A>G. VCF-style: chr2-233309241-A-G. GRCh37 (hg19) VCF-style: chr2-234217887-A-G.
Other names: short protein forms K18E.
Identifiers: ClinVar variation 1381222 (VCV001381222.6), dbSNP rs2125317872, ClinGen allele CA351040719.

ClinVar aggregate classification (germline): Uncertain significance (1 of 4 stars; one submission).

Submission:

Labcorp Genetics (formerly Invitae), Labcorp
Classification: Uncertain significance. Last evaluated: 2022-05-10. Review status: criteria provided, single submitter. Criteria: Invitae Variant Classification Sherloc (09022015). Collection method: clinical testing. Allele origin: germline.
Comment: In summary, the available evidence is currently insufficient to determine the role of this variant in disease. Therefore, it has been classified as a Variant of Uncertain Significance. Algorithms developed to predict the effect of missense changes on protein structure and function are either unavailable or do not agree on the potential impact of this missense change (SIFT: "Deleterious"; PolyPhen-2: "Possibly Damaging"; Align-GVGD: "Class C0"). This variant has not been reported in the literature in individuals affected with SAG-related conditions. This variant is not present in population databases (gnomAD no frequency). This sequence change replaces lysine, which is basic and polar, with glutamic acid, which is acidic and polar, at codon 18 of the SAG protein (p.Lys18Glu).